The following is an entry in ClinVar:

ClinVar aggregate classification (germline): Uncertain significance (1 of 4 stars; one submission).

gnomAD v4.1: 1 of 1,613,980 alleles (0.000062%); highest among the groups gnomAD compares: East Asian, 0.0022%; no homozygotes.

Submission:

Labcorp Genetics (formerly Invitae), Labcorp
Classification: Uncertain significance. Last evaluated: 2025-03-11. Review status: criteria provided, single submitter. Criteria: Invitae Variant Classification Sherloc (09022015). Collection method: clinical testing. Allele origin: germline.
Comment: This sequence change falls in intron 33 of the POLE gene. It does not directly change the encoded amino acid sequence of the POLE protein. This variant is present in population databases (rs376329838, gnomAD 0.0009%). This variant has not been reported in the literature in individuals affected with POLE-related conditions. Studies have shown that this variant is associated with inconclusive levels of altered splicing (internal data). In summary, the available evidence is currently insufficient to determine the role of this variant in disease. Therefore, it has been classified as a Variant of Uncertain Significance.

NM_006231.4(POLE):c.4291-6T>G

Gene: POLE (DNA polymerase epsilon, catalytic subunit; minus strand). Cytogenetic location: 12q24.33.
Variant type: single nucleotide variant.
Coding change: c.4291-6T>G on transcript NM_006231.4 (MANE Select); 6 bases into the intron before coding-DNA position 4291, T replaced by G.
Molecular consequence: intron variant.
Genome position (GRCh38, 1-based): chr12:132,643,566, A>C on the plus strand (T>G on the coding strand, the complement: POLE is on the minus strand). VCF-style: chr12-132643566-A-C. GRCh37 (hg19) VCF-style: chr12-133220152-A-C.
Identifiers: ClinVar variation 4714838 (VCV004714838.1).